The following is an entry in ClinVar:

NM_052867.4(NALCN):c.2122C>T (p.Arg708Cys)

Gene: NALCN (sodium leak channel, non-selective; minus strand). Cytogenetic location: 13q33.1.
Variant type: single nucleotide variant.
Coding change: c.2122C>T on transcript NM_052867.4 (MANE Select); coding-DNA position 2122, C replaced by T.
Protein change: p.Arg708Cys; replaces arginine 708 with cysteine.
Molecular consequence: missense variant.
Genome position (GRCh38, 1-based): chr13:101,124,678, G>A on the plus strand (C>T on the coding strand, the complement: NALCN is on the minus strand). VCF-style: chr13-101124678-G-A. GRCh37 (hg19) VCF-style: chr13-101777029-G-A.
Other names: c.2122C>T, p.Arg708Cys (NM_001350748.2, NM_001350749.2); c.2035C>T, p.Arg679Cys (NM_001350750.2, NM_001350751.2); c.2122C>T (NM_052867.2); short protein forms R679C, R708C.
Identifiers: ClinVar variation 2038280 (VCV002038280.9), dbSNP rs780641051, ClinGen allele CA7035910.

ClinVar aggregate classification (germline): Uncertain significance. Review status: criteria provided, multiple submitters, no conflicts (2 of 4 stars). 4 submissions from 4 submitters: Uncertain significance (3). 1 of the submissions does not count toward it. Last evaluated 2025-11-08.

Conditions:
NALCN-related disorder. Also called: NALCN-related condition; NALCN-related disorders.
Inborn genetic diseases. Identifiers: MedGen C0950123, MeSH D030342.

Allele frequency attached by ClinVar (database versions not stated): gnomAD exomes 0.00001; gnomAD 0.00001; TOPMed 0.00001; ExAC 0.00001.
gnomAD v4.1: 18 of 1,613,594 alleles (0.0011%); highest among the groups gnomAD compares: Middle Eastern, 0.016%; no homozygotes.

Submissions (4):

Ambry Genetics
Classification: Uncertain significance for Inborn genetic diseases. Last evaluated: 2025-11-08. Review status: criteria provided, single submitter. Criteria: Ambry Variant Classification Scheme 2023. Collection method: clinical testing. Allele origin: germline.
Comment: The c.2122C>T (p.R708C) alteration is located in exon 18 (coding exon 17) of the NALCN gene. This alteration results from a C to T substitution at nucleotide position 2122, causing the arginine (R) at amino acid position 708 to be replaced by a cysteine (C). Based on data from gnomAD, the T allele has an overall frequency of 0.001% (2/251056) total alleles studied. The highest observed frequency was 0.016% (1/6122) of Other alleles. Based on insufficient or conflicting evidence, the clinical significance of this alteration remains unclear.

GeneDx
Classification: Uncertain significance. Last evaluated: 2025-06-25. Review status: criteria provided, single submitter. Criteria: GeneDx Variant Classification Process June 2021. Collection method: clinical testing. Allele origin: germline. Affected: yes.
Comment: In silico analysis suggests that this missense variant does not alter protein structure/function; Has not been previously published as pathogenic or benign to our knowledge

Labcorp Genetics (formerly Invitae), Labcorp
Classification: Uncertain significance. Last evaluated: 2023-07-14. Review status: criteria provided, single submitter. Criteria: Invitae Variant Classification Sherloc (09022015). Collection method: clinical testing. Allele origin: germline.
Comment: In summary, the available evidence is currently insufficient to determine the role of this variant in disease. Therefore, it has been classified as a Variant of Uncertain Significance. Advanced modeling of protein sequence and biophysical properties (such as structural, functional, and spatial information, amino acid conservation, physicochemical variation, residue mobility, and thermodynamic stability) performed at Invitae indicates that this missense variant is not expected to disrupt NALCN protein function. ClinVar contains an entry for this variant (Variation ID: 2038280). This variant has not been reported in the literature in individuals affected with NALCN-related conditions. This variant is present in population databases (rs780641051, gnomAD 0.0009%). This sequence change replaces arginine, which is basic and polar, with cysteine, which is neutral and slightly polar, at codon 708 of the NALCN protein (p.Arg708Cys).

PreventionGenetics, part of Exact Sciences
Classification: Uncertain significance for NALCN-related condition. Last evaluated: 2024-08-05. Review status: no assertion criteria provided. Collection method: clinical testing. Allele origin: germline. Not counted in ClinVar's aggregate classification.
Comment: The NALCN c.2122C>T variant is predicted to result in the amino acid substitution p.Arg708Cys. To our knowledge, this variant has not been reported in the literature. This variant is reported in 0.00088% of alleles in individuals of European (non-Finnish) descent in gnomAD. At this time, the clinical significance of this variant is uncertain due to the absence of conclusive functional and genetic evidence.